The following is an entry in ClinVar:

ClinVar aggregate classification (germline): Uncertain significance (1 of 4 stars; one submission).

Conditions:
Inborn genetic diseases. Identifiers: MedGen C0950123, MeSH D030342.

Submission:

Ambry Genetics
Classification: Uncertain significance for Inborn genetic diseases. Last evaluated: 2022-09-01. Review status: criteria provided, single submitter. Criteria: Ambry Variant Classification Scheme 2023. Collection method: clinical testing. Allele origin: germline.
Comment: The p.S223N variant (also known as c.668G>A), located in coding exon 7 of the RAD51 gene, results from a G to A substitution at nucleotide position 668. The serine at codon 223 is replaced by asparagine, an amino acid with highly similar properties. This amino acid position is conserved. In addition, the in silico prediction for this alteration is inconclusive. Since supporting evidence is limited at this time, the clinical significance of this alteration remains unclear.

NM_002875.5(RAD51):c.668G>A (p.Ser223Asn)

Gene: RAD51 (RAD51 recombinase; plus strand). Cytogenetic location: 15q15.1.
Variant type: single nucleotide variant.
Coding change: c.668G>A on transcript NM_002875.5 (MANE Select); coding-DNA position 668, G replaced by A.
Protein change: p.Ser223Asn; replaces serine 223 with asparagine.
Molecular consequence: missense variant.
Genome position (GRCh38, 1-based): chr15:40,729,528, G>A. VCF-style: chr15-40729528-G-A. GRCh37 (hg19) VCF-style: chr15-41021726-G-A.
Other names: c.671G>A, p.Ser224Asn (NM_133487.4, NM_001164269.2); c.668G>A, p.Ser223Asn (NM_001164270.2); short protein forms S224N, S223N.
Identifiers: ClinVar variation 1754904 (VCV001754904.2), dbSNP rs1020338909, ClinGen allele CA268850490.